The following is an entry in ClinVar:

ClinVar aggregate classification (germline): Pathogenic/Likely pathogenic. Review status: criteria provided, multiple submitters, no conflicts (2 of 4 stars). 2 submissions from 2 submitters: Pathogenic (1); Likely pathogenic (1). Last evaluated 2023-11-24.

Conditions:
Hereditary breast ovarian cancer syndrome. Also called: BRCA1- and BRCA2-Associated Hereditary Breast and Ovarian Cancer; Hereditary breast and ovarian cancer syndrome; Hereditary breast and ovarian cancer; Hereditary breast and ovarian cancer syndrome (HBOC); Hereditary breast and/or ovarian cancer syndrome; Breast and ovarian cancer. Identifiers: Orphanet 145, MedGen C0677776, MeSH D061325, MONDO:0003582. Disease mechanism: loss of function.

Submissions (2):

Labcorp Genetics (formerly Invitae), Labcorp
Classification: Pathogenic for Hereditary breast ovarian cancer syndrome. Last evaluated: 2023-11-24. Review status: criteria provided, single submitter. Criteria: Invitae Variant Classification Sherloc (09022015). Collection method: clinical testing. Allele origin: germline.
Comment: This sequence change creates a premature translational stop signal (p.Cys801Serfs*5) in the BRCA1 gene. It is expected to result in an absent or disrupted protein product. Loss-of-function variants in BRCA1 are known to be pathogenic (PMID: 20104584). This variant is not present in population databases (gnomAD no frequency). This variant has not been reported in the literature in individuals affected with BRCA1-related conditions. ClinVar contains an entry for this variant (Variation ID: 619788). For these reasons, this variant has been classified as Pathogenic.

Quest Diagnostics Nichols Institute San Juan Capistrano
Classification: Likely pathogenic. Last evaluated: 2018-06-23. Review status: criteria provided, single submitter. Criteria: Quest Diagnostics criteria. Collection method: clinical testing. Allele origin: germline.

Literature cited by the submitters: PubMed 20104584 (cited by Labcorp Genetics (formerly Invitae), Labcorp).

NM_007294.4(BRCA1):c.2402_2404delinsCATTTCCCCTATAGCAAAAACATGACGGCACTTACTGTATCAA (p.Cys801_Val802delinsSerPheProLeuTer)

Gene: BRCA1 (BRCA1 DNA repair associated; minus strand). Cytogenetic location: 17q21.31.
Variant type: Indel.
Coding change: c.2402_2404delinsCATTTCCCCTATAGCAAAAACATGACGGCACTTACTGTATCAA on transcript NM_007294.4 (MANE Select); coding-DNA positions 2402 to 2404, the reference bases replaced by an inserted sequence.
Protein change: p.Cys801_Val802delinsSerPheProLeuTer.
Molecular consequence: nonsense. On other transcripts: intron variant (137).
Genome position (GRCh38, 1-based): chr17:43,093,127-43,093,129, 3 bases replaced. GRCh37 (hg19): chr17:41,245,144-41,245,146.
Other names: c.2402_2404delinsCATTTCCCCTATAGCAAAAACATGACGGCACTTACTGTATCAA, p.Cys801_Val802delinsSerPheProLeuTer (NM_001407622.1, NM_001407623.1, NM_001407626.1 and 30 more transcripts); c.2138_2140delinsCATTTCCCCTATAGCAAAAACATGACGGCACTTACTGTATCAA, p.Cys713_Val714delinsSerPheProLeuTer (NM_001407935.1, NM_001407920.1, NM_001407921.1 and 9 more transcripts); c.2135_2137delinsCATTTCCCCTATAGCAAAAACATGACGGCACTTACTGTATCAA, p.Cys712_Val713delinsSerPheProLeuTer (NM_001407936.1, NM_001407930.1, NM_001407931.1 and 2 more transcripts); c.2276_2278delinsCATTTCCCCTATAGCAAAAACATGACGGCACTTACTGTATCAA, p.Cys759_Val760delinsSerPheProLeuTer (NM_001407940.1, NM_001407941.1, NM_001407649.1 and 11 more transcripts); c.2261_2263delinsCATTTCCCCTATAGCAAAAACATGACGGCACTTACTGTATCAA, p.Cys754_Val755delinsSerPheProLeuTer (NM_001407942.1, NM_001407944.1, NM_007297.4 and 29 more transcripts); c.2258_2260delinsCATTTCCCCTATAGCAAAAACATGACGGCACTTACTGTATCAA, p.Cys753_Val754delinsSerPheProLeuTer (NM_001407943.1, NM_001407964.1, NM_001407740.1 and 20 more transcripts); c.2279_2281delinsCATTTCCCCTATAGCAAAAACATGACGGCACTTACTGTATCAA, p.Cys760_Val761delinsSerPheProLeuTer (NM_001407938.1, NM_001407937.1, NM_001407939.1 and 19 more transcripts); c.2399_2401delinsCATTTCCCCTATAGCAAAAACATGACGGCACTTACTGTATCAA, p.Cys800_Val801delinsSerPheProLeuTer (NM_001407627.1, NM_001407587.1, NM_001407590.1 and 22 more transcripts); and 41 more.
Identifiers: ClinVar variation 619788 (VCV000619788.6), dbSNP rs1567795809, ClinGen allele CA913190419.